The following is an entry in ClinVar:

NM_033380.3(COL4A5):c.3475C>T (p.Gln1159Ter)

Gene: COL4A5 (collagen type IV alpha 5 chain; plus strand). Cytogenetic location: Xq22.3.
Variant type: single nucleotide variant.
Coding change: c.3475C>T on transcript NM_033380.3 (MANE Select); coding-DNA position 3475, C replaced by T.
Protein change: p.Gln1159Ter; replaces glutamine 1159 with a stop codon.
Molecular consequence: nonsense.
Genome position (GRCh38, 1-based): chrX:108,666,516, C>T. VCF-style: chrX-108666516-C-T. GRCh37 (hg19) VCF-style: chrX-107909746-C-T.
Other names: c.3475C>T, p.Gln1159Ter (NM_000495.5); short protein forms Q1159*.
Identifiers: ClinVar variation 635495 (VCV000635495.3), dbSNP rs1603310370, ClinGen allele CA413847690.

ClinVar aggregate classification (germline): Pathogenic. Review status: criteria provided, single submitter (1 of 4 stars). 2 submissions from 2 submitters: Pathogenic (1). 1 of the submissions does not count toward it. Last evaluated 2025-11-11.

Conditions:
X-linked Alport syndrome (ATS1). Also called: COL4A5-Related Nephropathy; NEPHROPATHY AND DEAFNESS, X-LINKED. Identifiers: Orphanet 63, Orphanet 88917, MedGen C4746986, MONDO:0010520, OMIM 301050.

Submissions (2):

Labcorp Genetics (formerly Invitae), Labcorp
Classification: Pathogenic. Last evaluated: 2025-11-11. Review status: criteria provided, single submitter. Criteria: Invitae Variant Classification Sherloc (09022015). Collection method: clinical testing. Allele origin: germline.
Comment: This sequence change creates a premature translational stop signal (p.Gln1159*) in the COL4A5 gene. It is expected to result in an absent or disrupted protein product. Loss-of-function variants in COL4A5 are known to be pathogenic (PMID: 9195222, 10752524, 14514738, 24854265, 26809805). This variant is not present in population databases (gnomAD no frequency). This variant has not been reported in the literature in individuals affected with COL4A5-related conditions. ClinVar contains an entry for this variant (Variation ID: 635495). For these reasons, this variant has been classified as Pathogenic.

Bioscientia Institut fuer Medizinische Diagnostik GmbH, Sonic Healthcare
Classification: Pathogenic for X-linked Alport syndrome. Last evaluated: 2018-10-09. Review status: no assertion criteria provided. Collection method: clinical testing. Allele origin: germline. Affected: yes. Not counted in ClinVar's aggregate classification.

Literature cited by the submitters: PubMed 9195222 (cited by Labcorp Genetics (formerly Invitae), Labcorp); PubMed 10752524 (cited by Labcorp Genetics (formerly Invitae), Labcorp); PubMed 14514738 (cited by Labcorp Genetics (formerly Invitae), Labcorp); PubMed 24854265 (cited by Labcorp Genetics (formerly Invitae), Labcorp); PubMed 26809805 (cited by Labcorp Genetics (formerly Invitae), Labcorp).